The following is an entry in ClinVar:

NM_001388492.1(HTT):c.1424G>C (p.Ser475Thr)

Gene: HTT (huntingtin; plus strand). Cytogenetic location: 4p16.3.
Variant type: single nucleotide variant.
Coding change: c.1424G>C on transcript NM_001388492.1 (MANE Select); coding-DNA position 1424, G replaced by C.
Protein change: p.Ser475Thr; replaces serine 475 with threonine.
Molecular consequence: missense variant.
Genome position (GRCh38, 1-based): chr4:3,127,285, G>C. VCF-style: chr4-3127285-G-C. GRCh37 (hg19) VCF-style: chr4-3129012-G-C.
Other names: c.1430G>C, p.Ser477Thr (NM_002111.8); short protein forms S475T, S477T.
Identifiers: ClinVar variation 1449701 (VCV001449701.6), dbSNP rs376114909, ClinGen allele CA2823556.
Genomic context (GRCh38, chr4:3,127,285, plus strand): 5'-CTCTCGCCATTTGACAAATGAGTGTTTCTCTGTCTTCAGCCTCAGTGAAGGATGAGATCA[G>C]TGGAGAGCTGGCTGCTTCTTCAGGGGTTTCCACTCCAGGGTCAGCAGGTCATGACATCAT-3'
Protein context (NP_001375421.1, residues 465-485): ALTASVKDEI[Ser475Thr]GELAASSGVS

ClinVar aggregate classification (germline): Uncertain significance (1 of 4 stars; one submission).

Allele frequency attached by ClinVar (database versions not stated): gnomAD exomes 0.00001; ExAC 0.00002; ESP Exome Variant Server 0.00008.
gnomAD v4.1: 20 of 1,614,096 alleles (0.0012%); highest among the groups gnomAD compares: Non-Finnish European, 0.0016%; no homozygotes.

Submission:

Labcorp Genetics (formerly Invitae), Labcorp
Classification: Uncertain significance. Last evaluated: 2023-08-24. Review status: criteria provided, single submitter. Criteria: Invitae Variant Classification Sherloc (09022015). Collection method: clinical testing. Allele origin: germline.
Comment: This variant is present in population databases (rs376114909, gnomAD 0.002%). This sequence change replaces serine, which is neutral and polar, with threonine, which is neutral and polar, at codon 477 of the HTT protein (p.Ser477Thr). This variant has not been reported in the literature in individuals affected with HTT-related conditions. ClinVar contains an entry for this variant (Variation ID: 1449701). Experimental studies and prediction algorithms are not available or were not evaluated, and the functional significance of this variant is currently unknown. In summary, the available evidence is currently insufficient to determine the role of this variant in disease. Therefore, it has been classified as a Variant of Uncertain Significance.